The following is an entry in ClinVar:

NM_002294.3(LAMP2):c.795C>A (p.Cys265Ter)

Gene: LAMP2 (lysosome associated membrane protein 2; minus strand). Cytogenetic location: Xq24.
Variant type: single nucleotide variant.
Coding change: c.795C>A on transcript NM_002294.3 (MANE Select); coding-DNA position 795, C replaced by A.
Protein change: p.Cys265Ter; replaces cysteine 265 with a stop codon.
Molecular consequence: nonsense.
Genome position (GRCh38, 1-based): chrX:120,446,374, G>T on the plus strand (C>A on the coding strand, the complement: LAMP2 is on the minus strand). VCF-style: chrX-120446374-G-T. GRCh37 (hg19) VCF-style: chrX-119580229-G-T.
Other names: p.C265*:TGC>TGA; c.795C>A, p.Cys265Ter (NM_001122606.1, NM_013995.2); short protein forms C265*.
Identifiers: ClinVar variation 180874 (VCV000180874.4), dbSNP rs730880483, ClinGen allele CA333661.
Genomic context (GRCh38, chrX:120,446,374, plus strand): 5'-GACAAAGTCTAGATACTTAATGGTGCTGCTATTGAGTCTAAGTAGAGCAGTGTGAGAACG[G>T]CAGCTGCCTGTGGAGTGAGTTGTATTGGGGTTGATGTTAATAACTGAAGCAACCTTCAGG-3'

ClinVar aggregate classification (germline): Pathogenic (1 of 4 stars; one submission).

Submission:

GeneDx
Classification: Pathogenic. Last evaluated: 2017-09-19. Review status: criteria provided, single submitter. Criteria: GeneDx Variant Classification (06012015). Collection method: clinical testing. Allele origin: germline. Affected: yes.
Comment: The C265X pathogenic variant in the LAMP2 gene has previously been reported in association with cardiomyopathy (Hedberg et al., 2015; Walsh et al., 2017). The left ventricle of the explanted heart displayed mild hypertrophy, and mild interstitial fibrosis with focal fatty replacement was evident by light microscopy (Hedberg et al., 2015). This individual's affected mother and brother were also reported to harbor LAMP2 variants, although segregation of the C265X variant was not confirmed (Hedberg et al., 2015). C265X is predicted to cause loss of normal protein function either by protein truncation or nonsense-mediated mRNA decay. Other downstream nonsense variants in the LAMP2 gene have been reported in Human Gene Mutation Database in association with Danon disease (Stenson et al., 2014). Furthermore, the C265X variant is not observed in large population cohorts (Lek et al., 2016).